The following is an entry in ClinVar:

NM_001365536.1(SCN9A):c.4699A>T (p.Ile1567Phe)

Genes: SCN9A (sodium voltage-gated channel alpha subunit 9; minus strand), SCN1A-AS1 (SCN1A and SCN9A antisense RNA 1; plus strand). Cytogenetic location: 2q24.3.
Variant type: single nucleotide variant.
Coding change: c.4699A>T on transcript NM_001365536.1 (MANE Select); coding-DNA position 4699, A replaced by T.
Protein change: p.Ile1567Phe; replaces isoleucine 1567 with phenylalanine.
Molecular consequence: missense variant.
Genome position (GRCh38, 1-based): chr2:166,204,030, T>A on the plus strand (A>T on the coding strand, the complement: SCN9A is on the minus strand). VCF-style: chr2-166204030-T-A. GRCh37 (hg19) VCF-style: chr2-167060540-T-A.
Other names: c.4666A>T, p.Ile1556Phe (NM_002977.4); short protein forms I1556F, I1567F.
Identifiers: ClinVar variation 947754 (VCV000947754.10), dbSNP rs1558944954, ClinGen allele CA349057405.

ClinVar aggregate classification (germline): Uncertain significance (1 of 4 stars; one submission).

Conditions:
Generalized epilepsy with febrile seizures plus, type 7 (GEFSP7). Also called: GEFS+, TYPE 7. Identifiers: Orphanet 36387, MedGen C2751778, MONDO:0013470, OMIM 613863.
Neuropathy, hereditary sensory and autonomic, type 2A (HSAN2A). Also called: HSAN IIA; MORVAN DISEASE; NEUROPATHY, CONGENITAL SENSORY; NEUROPATHY, HEREDITARY SENSORY RADICULAR, AUTOSOMAL RECESSIVE; NEUROPATHY, HEREDITARY SENSORY, TYPE IIA; NEUROPATHY, PROGRESSIVE SENSORY, OF CHILDREN. Identifiers: Orphanet 970, MedGen C2752089, MONDO:0024309, OMIM 201300.

gnomAD v4.1: 3 of 1,608,250 alleles (0.00019%); highest among the groups gnomAD compares: Non-Finnish European, 0.00026%; no homozygotes.

Submission:

Labcorp Genetics (formerly Invitae), Labcorp
Classification: Uncertain significance for Neuropathy, hereditary sensory and autonomic, type 2A; Generalized epilepsy with febrile seizures plus, type 7. Last evaluated: 2019-07-25. Review status: criteria provided, single submitter. Criteria: Invitae Variant Classification Sherloc (09022015). Collection method: clinical testing. Allele origin: germline.
Comment: In summary, the available evidence is currently insufficient to determine the role of this variant in disease. Therefore, it has been classified as a Variant of Uncertain Significance. Algorithms developed to predict the effect of missense changes on protein structure and function (SIFT, PolyPhen-2, Align-GVGD) all suggest that this variant is likely to be tolerated, but these predictions have not been confirmed by published functional studies and their clinical significance is uncertain. This variant has not been reported in the literature in individuals with SCN9A-related conditions. This variant is not present in population databases (ExAC no frequency). This sequence change replaces isoleucine with phenylalanine at codon 1556 of the SCN9A protein (p.Ile1556Phe). The isoleucine residue is highly conserved and there is a small physicochemical difference between isoleucine and phenylalanine.